The following is an entry in ClinVar:

ClinVar aggregate classification (germline): Uncertain significance. Review status: criteria provided, single submitter (1 of 4 stars). 2 submissions from 2 submitters: Uncertain significance (1). 1 of the submissions does not count toward it. Last evaluated 2018-01-12.

Conditions:
F13B-related disorder. Also called: F13B-related condition.
Factor XIII, b subunit, deficiency of. Also called: Factor XIII subunit B deficiency. Identifiers: Orphanet 331, MedGen C2750481, MONDO:0013190, OMIM 613235, HP:0040234.

Allele frequency attached by ClinVar (database versions not stated): gnomAD exomes 0.00062; ExAC 0.00074; gnomAD 0.00264 and 0.00281; 1000 Genomes Project 30x 0.00265; ESP Exome Variant Server 0.00270; TOPMed 0.00301; 1000 Genomes Project 0.00339.
gnomAD v4.1: 764 of 1,612,874 alleles (0.047%); highest among the groups gnomAD compares: African/African-American, 0.91%; 6 homozygotes.

Submissions (2):

Illumina Laboratory Services, Illumina
Classification: Uncertain significance for Factor XIII, b subunit, deficiency of. Last evaluated: 2018-01-12. Review status: criteria provided, single submitter. Criteria: ICSL Variant Classification Criteria 13 December 2019. Collection method: clinical testing. Allele origin: germline.

PreventionGenetics, part of Exact Sciences
Classification: Likely benign for F13B-related condition. Last evaluated: 2020-07-27. Review status: no assertion criteria provided. Collection method: clinical testing. Allele origin: germline. Not counted in ClinVar's aggregate classification.
Comment: This variant is classified as likely benign based on ACMG/AMP sequence variant interpretation guidelines (Richards et al. 2015 PMID: 25741868, with internal and published modifications).

NM_001994.3(F13B):c.1902G>A (p.Met634Ile)

Gene: F13B (coagulation factor XIII B chain; minus strand). Cytogenetic location: 1q31.3.
Variant type: single nucleotide variant.
Coding change: c.1902G>A on transcript NM_001994.3 (MANE Select); coding-DNA position 1902, G replaced by A.
Protein change: p.Met634Ile; replaces methionine 634 with isoleucine.
Molecular consequence: missense variant.
Genome position (GRCh38, 1-based): chr1:197,040,572, C>T on the plus strand (G>A on the coding strand, the complement: F13B is on the minus strand). VCF-style: chr1-197040572-C-T. GRCh37 (hg19) VCF-style: chr1-197009702-C-T.
Other names: short protein forms M634I.
Identifiers: ClinVar variation 294569 (VCV000294569.7), dbSNP rs142886126, ClinGen allele CA1308217.